The following is an entry in ClinVar:

ClinVar aggregate classification (germline): Uncertain significance. Review status: criteria provided, multiple submitters, no conflicts (2 of 4 stars). 2 submissions from 2 submitters: Uncertain significance (2). Last evaluated 2025-10-29.

Conditions:
Hereditary diffuse gastric adenocarcinoma (HDGC). Also called: DIFFUSE GASTRIC AND LOBULAR BREAST CANCER SYNDROME. Identifiers: Orphanet 26106, MedGen C1708349, MONDO:0007648, OMIM 137215.
Hereditary cancer-predisposing syndrome. Also called: Tumor predisposition; Hereditary neoplastic syndrome; Neoplastic Syndromes, Hereditary; Hereditary Cancer Syndrome. Identifiers: Orphanet 140162, MedGen C0027672, MeSH D009386, MONDO:0015356.

Submissions (2):

Labcorp Genetics (formerly Invitae), Labcorp
Classification: Uncertain significance for Hereditary diffuse gastric adenocarcinoma. Last evaluated: 2025-10-29. Review status: criteria provided, single submitter. Criteria: Invitae Variant Classification Sherloc (09022015). Collection method: clinical testing. Allele origin: germline.
Comment: This sequence change replaces valine, which is neutral and non-polar, with methionine, which is neutral and non-polar, at codon 782 of the CDH1 protein (p.Val782Met). This variant is not present in population databases (gnomAD no frequency). This variant has not been reported in the literature in individuals affected with CDH1-related conditions. ClinVar contains an entry for this variant (Variation ID: 1382236). An algorithm developed to predict the effect of missense changes on protein structure and function (PolyPhen-2) suggests that this variant is likely to be disruptive. In summary, the available evidence is currently insufficient to determine the role of this variant in disease. Therefore, it has been classified as a Variant of Uncertain Significance.

Color Diagnostics, LLC DBA Color Health
Classification: Uncertain significance for Hereditary cancer-predisposing syndrome. Last evaluated: 2024-04-30. Review status: criteria provided, single submitter. Criteria: ACMG Guidelines, 2015. Collection method: clinical testing. Allele origin: germline.
Comment: This missense variant replaces valine with methionine at codon 782 of the CDH1 protein. To our knowledge, functional studies have not been reported for this variant. This variant has not been reported in individuals affected with CDH1-related disorders in the literature. This variant has not been identified in the general population by the Genome Aggregation Database (gnomAD). The available evidence is insufficient to determine the role of this variant in disease conclusively. Therefore, this variant is classified as a Variant of Uncertain Significance.

NM_004360.5(CDH1):c.2344G>A (p.Val782Met)

Gene: CDH1 (cadherin 1; plus strand). Cytogenetic location: 16q22.1.
Variant type: single nucleotide variant.
Coding change: c.2344G>A on transcript NM_004360.5 (MANE Select); coding-DNA position 2344, G replaced by A.
Protein change: p.Val782Met; replaces valine 782 with methionine.
Molecular consequence: missense variant.
Genome position (GRCh38, 1-based): chr16:68,829,702, G>A. VCF-style: chr16-68829702-G-A. GRCh37 (hg19) VCF-style: chr16-68863605-G-A.
Other names: c.2161G>A, p.Val721Met (NM_001317184.2); c.796G>A, p.Val266Met (NM_001317185.2); c.379G>A, p.Val127Met (NM_001317186.2); short protein forms V127M, V782M, V266M, V721M.
Identifiers: ClinVar variation 1382236 (VCV001382236.7), dbSNP rs2152142305, ClinGen allele CA396470969.
Genomic context (GRCh38, chr16:68,829,702, plus strand): 5'-TTTTCTCCAAAGGACTTTGACTTGAGCCAGCTGCACAGGGGCCTGGACGCTCGGCCTGAA[G>A]TGACTCGTAACGACGTTGCACCAACCCTCATGAGTGTCCCCCGGTATCTTCCCCGCCCTG-3'
Protein context (NP_004351.1, residues 772-792): LHRGLDARPE[Val782Met]TRNDVAPTLM